The following is an entry in ClinVar:

ClinVar aggregate classification (germline): Uncertain significance (1 of 4 stars; one submission).

Submission:

Ambry Genetics
Classification: Uncertain significance. Last evaluated: 2021-05-28. Review status: criteria provided, single submitter. Criteria: Ambry Variant Classification Scheme 2023. Collection method: clinical testing. Allele origin: germline.
Comment: The p.W474R variant (also known as c.1420T>C), located in coding exon 12 of the MARS gene, results from a T to C substitution at nucleotide position 1420. The tryptophan at codon 474 is replaced by arginine, an amino acid with dissimilar properties. This amino acid position is highly conserved in available vertebrate species. In addition, this alteration is predicted to be deleterious by in silico analysis. Since supporting evidence is limited at this time, the clinical significance of this alteration remains unclear.

NM_004990.4(MARS1):c.1420T>C (p.Trp474Arg)

Gene: MARS1 (methionyl-tRNA synthetase 1; plus strand). Cytogenetic location: 12q13.3.
Variant type: single nucleotide variant.
Coding change: c.1420T>C on transcript NM_004990.4 (MANE Select); coding-DNA position 1420, T replaced by C.
Protein change: p.Trp474Arg; replaces tryptophan 474 with arginine.
Molecular consequence: missense variant.
Genome position (GRCh38, 1-based): chr12:57,511,749, T>C. VCF-style: chr12-57511749-T-C. GRCh37 (hg19) VCF-style: chr12-57905532-T-C.
Other names: short protein forms W474R.
Identifiers: ClinVar variation 1799838 (VCV001799838.2), dbSNP rs2540312479, ClinGen allele CA385461215.